The following is an entry in ClinVar:

NM_018192.4(P3H2):c.727G>A (p.Glu243Lys)

Gene: P3H2 (prolyl 3-hydroxylase 2; minus strand). Cytogenetic location: 3q28.
Variant type: single nucleotide variant.
Coding change: c.727G>A on transcript NM_018192.4 (MANE Select); coding-DNA position 727, G replaced by A.
Protein change: p.Glu243Lys; replaces glutamic acid 243 with lysine.
Molecular consequence: missense variant.
Genome position (GRCh38, 1-based): chr3:189,994,190, C>T on the plus strand (G>A on the coding strand, the complement: P3H2 is on the minus strand). VCF-style: chr3-189994190-C-T. GRCh37 (hg19) VCF-style: chr3-189711979-C-T.
Other names: c.184G>A, p.Glu62Lys (NM_001134418.2); short protein forms E62K, E243K.
Identifiers: ClinVar variation 860168 (VCV000860168.4), dbSNP rs376765314, ClinGen allele CA2753231.

ClinVar aggregate classification (germline): Uncertain significance. Review status: criteria provided, multiple submitters, no conflicts (2 of 4 stars). 2 submissions from 2 submitters: Uncertain significance (2). Last evaluated 2023-12-28.

Conditions:
Inborn genetic diseases. Identifiers: MedGen C0950123, MeSH D030342.

Allele frequency attached by ClinVar (database versions not stated): TOPMed 0.00002; ExAC 0.00003; gnomAD 0.00003 and 0.00004; gnomAD exomes 0.00003 and 0.00005; ESP Exome Variant Server 0.00008.
gnomAD v4.1: 73 of 1,613,716 alleles (0.0045%); highest among the groups gnomAD compares: Non-Finnish European, 0.0061%; no homozygotes.

Submissions (2):

Ambry Genetics
Classification: Uncertain significance for Inborn genetic diseases. Last evaluated: 2023-12-28. Review status: criteria provided, single submitter. Criteria: Ambry Variant Classification Scheme 2023. Collection method: clinical testing. Allele origin: germline.

Labcorp Genetics (formerly Invitae), Labcorp
Classification: Uncertain significance. Last evaluated: 2022-10-13. Review status: criteria provided, single submitter. Criteria: Invitae Variant Classification Sherloc (09022015). Collection method: clinical testing. Allele origin: germline.
Comment: This sequence change replaces glutamic acid, which is acidic and polar, with lysine, which is basic and polar, at codon 243 of the P3H2 protein (p.Glu243Lys). This variant is present in population databases (rs376765314, gnomAD 0.009%). This variant has not been reported in the literature in individuals affected with P3H2-related conditions. ClinVar contains an entry for this variant (Variation ID: 860168). Advanced modeling of protein sequence and biophysical properties (such as structural, functional, and spatial information, amino acid conservation, physicochemical variation, residue mobility, and thermodynamic stability) performed at Invitae indicates that this missense variant is expected to disrupt P3H2 protein function. In summary, the available evidence is currently insufficient to determine the role of this variant in disease. Therefore, it has been classified as a Variant of Uncertain Significance.